The following is an entry in ClinVar:

NM_000071.3(CBS):c.624G>T (p.Trp208Cys)

Gene: CBS (cystathionine beta-synthase; minus strand). Cytogenetic location: 21q22.3.
Variant type: single nucleotide variant.
Coding change: c.624G>T on transcript NM_000071.3 (MANE Select); coding-DNA position 624, G replaced by T.
Protein change: p.Trp208Cys; replaces tryptophan 208 with cysteine.
Molecular consequence: missense variant.
Genome position (GRCh38, 1-based): chr21:43,065,429, C>A on the plus strand (G>T on the coding strand, the complement: CBS is on the minus strand). VCF-style: chr21-43065429-C-A. GRCh37 (hg19) VCF-style: chr21-44485539-C-A.
Other names: c.624G>T, p.Trp208Cys (NM_001178008.3, NM_001178009.3, NM_001320298.2); c.309G>T, p.Trp103Cys (NM_001321072.1); c.624G>T (NM_000071.2); short protein forms W208C, W103C.
Identifiers: ClinVar variation 1489423 (VCV001489423.6), dbSNP rs774174074, ClinGen allele CA321095930.

ClinVar aggregate classification (germline): Uncertain significance. Review status: criteria provided, multiple submitters, no conflicts (2 of 4 stars). 2 submissions from 2 submitters: Uncertain significance (2). Last evaluated 2025-04-05.

Conditions:
Familial thoracic aortic aneurysm and aortic dissection (TAAD). Also called: Thoracic aortic aneurysms and dissections. Identifiers: Orphanet 91387, MedGen C4707243, MONDO:0019625.
HYPERHOMOCYSTEINEMIA, THROMBOTIC, CBS-RELATED. Identifiers: MedGen C3150344, OMIM 236200.

Allele frequency attached by ClinVar (database versions not stated): gnomAD exomes below 0.00001; ExAC 0.00001.

Submissions (2):

Ambry Genetics
Classification: Uncertain significance for Familial thoracic aortic aneurysm and aortic dissection. Last evaluated: 2025-04-05. Review status: criteria provided, single submitter. Criteria: Ambry Variant Classification Scheme 2023. Collection method: clinical testing. Allele origin: germline.
Comment: The p.W208C variant (also known as c.624G>T), located in coding exon 5 of the CBS gene, results from a G to T substitution at nucleotide position 624. The tryptophan at codon 208 is replaced by cysteine, an amino acid with highly dissimilar properties. This amino acid position is conserved. In addition, this alteration is predicted to be deleterious by in silico analysis. Based on the available evidence, the clinical significance of this variant remains unclear.

Labcorp Genetics (formerly Invitae), Labcorp
Classification: Uncertain significance for HYPERHOMOCYSTEINEMIA, THROMBOTIC, CBS-RELATED. Last evaluated: 2021-08-31. Review status: criteria provided, single submitter. Criteria: Invitae Variant Classification Sherloc (09022015). Collection method: clinical testing. Allele origin: germline.
Comment: This sequence change replaces tryptophan with cysteine at codon 208 of the CBS protein (p.Trp208Cys). The tryptophan residue is moderately conserved and there is a large physicochemical difference between tryptophan and cysteine. This variant is present in population databases (rs774174074, ExAC 0.01%). This variant has not been reported in the literature in individuals affected with CBS-related conditions. Algorithms developed to predict the effect of missense changes on protein structure and function are either unavailable or do not agree on the potential impact of this missense change (SIFT: "Deleterious"; PolyPhen-2: "Possibly Damaging"; Align-GVGD: "Class C0"). In summary, the available evidence is currently insufficient to determine the role of this variant in disease. Therefore, it has been classified as a Variant of Uncertain Significance.